The following is an entry in ClinVar:

NM_018263.6(ASXL2):c.1076A>G (p.Glu359Gly)

Gene: ASXL2 (ASXL transcriptional regulator 2; minus strand). Cytogenetic location: 2p23.3.
Variant type: single nucleotide variant.
Coding change: c.1076A>G on transcript NM_018263.6 (MANE Select); coding-DNA position 1076, A replaced by G.
Protein change: p.Glu359Gly; replaces glutamic acid 359 with glycine.
Molecular consequence: missense variant.
Genome position (GRCh38, 1-based): chr2:25,753,600, T>C on the plus strand (A>G on the coding strand, the complement: ASXL2 is on the minus strand). VCF-style: chr2-25753600-T-C. GRCh37 (hg19) VCF-style: chr2-25976469-T-C.
Other names: c.902A>G, p.Glu301Gly (NM_001369346.1); c.296A>G, p.Glu99Gly (NM_001369347.1); short protein forms E301G, E359G, E99G.
Identifiers: ClinVar variation 3361481 (VCV003361481.1).

ClinVar aggregate classification (germline): Uncertain significance (1 of 4 stars; one submission).

Submission:

GeneDx
Classification: Uncertain significance. Last evaluated: 2023-07-28. Review status: criteria provided, single submitter. Criteria: GeneDx Variant Classification Process June 2021. Collection method: clinical testing. Allele origin: germline. Affected: yes.
Comment: Not observed at significant frequency in large population cohorts (gnomAD); In silico analysis supports that this missense variant has a deleterious effect on protein structure/function; Has not been previously published as pathogenic or benign to our knowledge